The following is an entry in ClinVar:

ClinVar aggregate classification (germline): Likely benign (0 of 4 stars; one submission).

Conditions:
TGM3-related disorder. Also called: TGM3-related condition.

Allele frequency attached by ClinVar (database versions not stated): ExAC 0.00002; gnomAD 0.00005; TOPMed 0.00006; ESP Exome Variant Server 0.00015.
gnomAD v4.1: 33 of 1,614,110 alleles (0.002%); highest among the groups gnomAD compares: Middle Eastern, 0.049%; no homozygotes.

Submission:

PreventionGenetics, part of Exact Sciences
Classification: Likely benign for TGM3-related condition. Last evaluated: 2019-04-05. Review status: no assertion criteria provided. Collection method: clinical testing. Allele origin: germline.
Comment: This variant is classified as likely benign based on ACMG/AMP sequence variant interpretation guidelines (Richards et al. 2015 PMID: 25741868, with internal and published modifications).

NM_003245.4(TGM3):c.939C>T (p.Tyr313=)

Gene: TGM3 (transglutaminase 3; plus strand). Cytogenetic location: 20p13.
Variant type: single nucleotide variant.
Coding change: c.939C>T on transcript NM_003245.4 (MANE Select); coding-DNA position 939, C replaced by T.
Protein change: p.Tyr313=; no amino-acid change (tyrosine 313 retained).
Molecular consequence: synonymous variant.
Genome position (GRCh38, 1-based): chr20:2,317,441, C>T. VCF-style: chr20-2317441-C-T. GRCh37 (hg19) VCF-style: chr20-2298087-C-T.
Identifiers: ClinVar variation 3047522 (VCV003047522.2), dbSNP rs376202925, ClinGen allele CA9730995.